The following is an entry in ClinVar:

NM_015272.5(RPGRIP1L):c.427C>T (p.Gln143Ter)

Gene: RPGRIP1L (RPGRIP1 like; minus strand). Cytogenetic location: 16q12.2.
Variant type: single nucleotide variant.
Coding change: c.427C>T on transcript NM_015272.5 (MANE Select); coding-DNA position 427, C replaced by T.
Protein change: p.Gln143Ter; replaces glutamine 143 with a stop codon.
Molecular consequence: nonsense.
Genome position (GRCh38, 1-based): chr16:53,692,168, G>A on the plus strand (C>T on the coding strand, the complement: RPGRIP1L is on the minus strand). VCF-style: chr16-53692168-G-A. GRCh37 (hg19) VCF-style: chr16-53726080-G-A.
Other names: c.427C>T, p.Gln143Ter (NM_001127897.4, NM_001308334.3, NM_001330538.2); short protein forms Q143*.
Identifiers: ClinVar variation 1185042 (VCV001185042.8), dbSNP rs1970430433, ClinGen allele CA395924831.
Genomic context (GRCh38, chr16:53,692,168, plus strand): 5'-TTCTACGCCCAGTGTTAATACGAGATTGTACATTATTGTATGGAGTTTGCCTGTAACCCT[G>A]GGTTTGAAGTTGCTGTTTGGCTGAAATCAGTCTGTTTTTGAGGGTTTCATTTTGTTTTTC-3'

ClinVar aggregate classification (germline): Pathogenic. Review status: criteria provided, single submitter (1 of 4 stars). 2 submissions from 2 submitters: Pathogenic (1). 1 of the submissions does not count toward it. Last evaluated 2025-06-12.

Conditions:
Joubert syndrome. Also called: CEREBELLOPARENCHYMAL DISORDER IV; JOUBERT-BOLTSHAUSER SYNDROME; Familial aplasia of the vermis. Identifiers: Orphanet 475, MedGen C5979921, MONDO:0018772.
Meckel-Gruber syndrome. Also called: DYSENCEPHALIA SPLANCHNOCYSTICA; GRUBER SYNDROME; Dysencephalia splachnocystica. Identifiers: Orphanet 564, MedGen C0265215, MONDO:0018921.
Meckel syndrome, type 5 (MKS5). Identifiers: Orphanet 564, MedGen C1969052, MONDO:0012695, OMIM 611561.

Submissions (2):

Labcorp Genetics (formerly Invitae), Labcorp
Classification: Pathogenic for Joubert syndrome; Meckel-Gruber syndrome. Last evaluated: 2025-06-12. Review status: criteria provided, single submitter. Criteria: Invitae Variant Classification Sherloc (09022015). Collection method: clinical testing. Allele origin: germline.
Comment: This sequence change creates a premature translational stop signal (p.Gln143*) in the RPGRIP1L gene. It is expected to result in an absent or disrupted protein product. Loss-of-function variants in RPGRIP1L are known to be pathogenic (PMID: 17558409). This variant is not present in population databases (gnomAD no frequency). This variant has not been reported in the literature in individuals affected with RPGRIP1L-related conditions. ClinVar contains an entry for this variant (Variation ID: 1185042). For these reasons, this variant has been classified as Pathogenic.

Center for Molecular Medicine, Children’s Hospital of Fudan University
Classification: Likely pathogenic for Meckel syndrome, type 5. Last evaluated: 2021-07-30. Review status: no assertion criteria provided. Collection method: clinical testing. Allele origin: maternal. Affected: yes. Not counted in ClinVar's aggregate classification.
Comment: For the RPGRIP1L gene, loss of function is a known mechanism of disease. c.427C>T causes a premature stop codon (p.Gln143Ter). Many truncating mutations, located after c.427 position, have been identified in MKS5 cases (PMID:17558409,23351400) .Meanwhile, this variant has never been reported or appeared in the 1000 Genome Project, the EXAC or the gnomAD database. This variants is classified as likely pathogenic.

Literature cited by the submitters: PubMed 17558409 (cited by Labcorp Genetics (formerly Invitae), Labcorp and Center for Molecular Medicine, Children’s Hospital of Fudan University); PubMed 23351400 (cited by Center for Molecular Medicine, Children’s Hospital of Fudan University).